The following is an entry in ClinVar:

ClinVar aggregate classification (germline): Uncertain significance. Review status: criteria provided, multiple submitters, no conflicts (2 of 4 stars). 2 submissions from 2 submitters: Uncertain significance (2). Last evaluated 2024-04-04.

Conditions:
KBG syndrome (KBGS). Also called: ANKRD11-Related KBG Syndrome. Identifiers: Orphanet 2332, MedGen C0220687, MONDO:0007846, OMIM 148050.

Allele frequency attached by ClinVar (database versions not stated): gnomAD exomes below 0.00001.

Submissions (2):

Fulgent Genetics
Classification: Uncertain significance for KBG syndrome. Last evaluated: 2024-04-04. Review status: criteria provided, single submitter. Criteria: ACMG Guidelines, 2015. Collection method: clinical testing. Allele origin: germline.

MGZ Medical Genetics Center
Classification: Uncertain significance for KBG syndrome. Last evaluated: 2022-07-11. Review status: criteria provided, single submitter. Criteria: ACMG Guidelines, 2015. Collection method: clinical testing. Allele origin: germline. Affected: yes. Observed: 2 variant alleles.
Comment: ACMG criteria applied: PM2_SUP, PP3

NM_013275.6(ANKRD11):c.7569G>A (p.Arg2523=)

Gene: ANKRD11 (ankyrin repeat domain 11; minus strand). Cytogenetic location: 16q24.3.
Variant type: single nucleotide variant.
Coding change: c.7569G>A on transcript NM_013275.6 (MANE Select); coding-DNA position 7569, G replaced by A.
Protein change: p.Arg2523=; no amino-acid change (arginine 2523 retained).
Molecular consequence: synonymous variant.
Genome position (GRCh38, 1-based): chr16:89,275,093, C>T on the plus strand (G>A on the coding strand, the complement: ANKRD11 is on the minus strand). VCF-style: chr16-89275093-C-T. GRCh37 (hg19) VCF-style: chr16-89341501-C-T.
Other names: c.7569G>A, p.Arg2523= (NM_001256182.2, NM_001256183.2).
Identifiers: ClinVar variation 1709665 (VCV001709665.3), dbSNP rs2033532724, ClinGen allele CA497167873.